The following is an entry in ClinVar:

NM_020975.6(RET):c.544C>A (p.Pro182Thr)

Gene: RET (ret proto-oncogene; plus strand). Cytogenetic location: 10q11.21.
Variant type: single nucleotide variant.
Coding change: c.544C>A on transcript NM_020975.6 (MANE Select); coding-DNA position 544, C replaced by A.
Protein change: p.Pro182Thr; replaces proline 182 with threonine.
Molecular consequence: missense variant.
Genome position (GRCh38, 1-based): chr10:43,102,548, C>A. VCF-style: chr10-43102548-C-A. GRCh37 (hg19) VCF-style: chr10-43597996-C-A.
Other names: c.544C>A, p.Pro182Thr (NM_000323.2, NM_001406743.1, NM_001406744.1 and 16 more transcripts); c.415C>A, p.Pro139Thr (NM_001406761.1, NM_001406762.1, NM_001406764.1 and 4 more transcripts); short protein forms P182T, P139T.
Identifiers: ClinVar variation 505008 (VCV000505008.17), dbSNP rs775086466, ClinGen allele CA376543441.

ClinVar aggregate classification (germline): Uncertain significance. Review status: criteria provided, multiple submitters, no conflicts (2 of 4 stars). 4 submissions from 4 submitters: Uncertain significance (4). Last evaluated 2025-06-24.

Conditions:
Multiple endocrine neoplasia, type 2 (MEN2). Identifiers: Orphanet 653, MedGen C4048306, MONDO:0019003. Disease mechanism: gain of function.
Hereditary cancer-predisposing syndrome. Also called: Neoplastic Syndromes, Hereditary; Hereditary Cancer Syndrome; Tumor predisposition; Hereditary neoplastic syndrome. Identifiers: Orphanet 140162, MedGen C0027672, MeSH D009386, MONDO:0015356.

Allele frequency attached by ClinVar (database versions not stated): gnomAD 0.00001; TOPMed 0.00002.
gnomAD v4.1: 2 of 1,614,104 alleles (0.00012%); highest among the groups gnomAD compares: Admixed American, 0.0033%; no homozygotes.

Submissions (4):

Ambry Genetics
Classification: Uncertain significance for Hereditary cancer-predisposing syndrome. Last evaluated: 2025-06-24. Review status: criteria provided, single submitter. Criteria: Ambry Variant Classification Scheme 2023. Collection method: clinical testing. Allele origin: germline.
Comment: The p.P182T variant (also known as c.544C>A), located in coding exon 3 of the RET gene, results from a C to A substitution at nucleotide position 544. The proline at codon 182 is replaced by threonine, an amino acid with highly similar properties. This amino acid position is conserved. In addition, this alteration is predicted to be tolerated by in silico analysis. Since supporting evidence is limited at this time, the clinical significance of this alteration remains unclear.

Labcorp Genetics (formerly Invitae), Labcorp
Classification: Uncertain significance for Multiple endocrine neoplasia, type 2. Last evaluated: 2024-04-10. Review status: criteria provided, single submitter. Criteria: Invitae Variant Classification Sherloc (09022015). Collection method: clinical testing. Allele origin: germline.
Comment: This sequence change replaces proline, which is neutral and non-polar, with threonine, which is neutral and polar, at codon 182 of the RET protein (p.Pro182Thr). This variant is not present in population databases (gnomAD no frequency). This variant has not been reported in the literature in individuals affected with RET-related conditions. ClinVar contains an entry for this variant (Variation ID: 505008). Algorithms developed to predict the effect of missense changes on protein structure and function output the following: SIFT: "Not Available"; PolyPhen-2: "Possibly Damaging"; Align-GVGD: "Not Available". The threonine amino acid residue is found in multiple mammalian species, which suggests that this missense change does not adversely affect protein function. In summary, the available evidence is currently insufficient to determine the role of this variant in disease. Therefore, it has been classified as a Variant of Uncertain Significance.

GeneDx
Classification: Uncertain significance. Last evaluated: 2022-08-26. Review status: criteria provided, single submitter. Criteria: GeneDx Variant Classification Process June 2021. Collection method: clinical testing. Allele origin: germline. Affected: yes.
Comment: Not observed at significant frequency in large population cohorts (gnomAD); In silico analysis supports that this missense variant has a deleterious effect on protein structure/function; Has not been previously published as pathogenic or benign to our knowledge

Laboratory for Molecular Medicine, Mass General Brigham Personalized Medicine
Classification: Uncertain significance. Last evaluated: 2016-05-20. Review status: criteria provided, single submitter. Criteria: LMM Criteria. Collection method: clinical testing. Allele origin: germline. Observed: 1 variant allele.
Comment: The p.Pro182Thr variant in RET has not been previously reported in individuals w ith pulmonary disease or in large population studies. Computational prediction tools and conservation analysis do not provide strong support for or against an impact to the protein. In summary, the clinical significance of the p.Pro182Thr variant is uncertain.